The following is an entry in ClinVar:

NM_001384272.1(HCRTR2):c.30C>T (p.Pro10=)

Gene: HCRTR2 (hypocretin receptor 2; plus strand). Cytogenetic location: 6p12.1.
Variant type: single nucleotide variant.
Coding change: c.30C>T on transcript NM_001384272.1 (MANE Select); coding-DNA position 30, C replaced by T.
Protein change: p.Pro10=; no amino-acid change (proline 10 retained).
Molecular consequence: synonymous variant.
Genome position (GRCh38, 1-based): chr6:55,174,617, C>T. VCF-style: chr6-55174617-C-T. GRCh37 (hg19) VCF-style: chr6-55039415-C-T.
Other names: c.30C>T, p.Pro10= (NM_001526.5).
Identifiers: ClinVar variation 3043269 (VCV003043269.2), dbSNP rs143272352, ClinGen allele CA3863356.
Genomic context (GRCh38, chr6:55,174,617, plus strand): 5'-AGCATTGAGCGGAACCGGACTTGAGCCCGTGATGTCCGGCACCAAATTGGAGGACTCCCC[C>T]CCTTGTCGCAACTGGTCATCTGCTTCGGAGCTGAATGAAACTCAAGAGCCCTTTTTAAAC-3'
Protein context (NP_001371201.1, residues 1-20): MSGTKLEDS[Pro10=]PCRNWSSASE

ClinVar aggregate classification (germline): Likely benign (0 of 4 stars; one submission).

Conditions:
HCRTR2-related disorder. Also called: HCRTR2-related condition.

gnomAD v4.1: 342 of 1,613,928 alleles (0.021%); highest among the groups gnomAD compares: Middle Eastern, 0.23%; 2 homozygotes.

Submission:

PreventionGenetics, part of Exact Sciences
Classification: Likely benign for HCRTR2-related condition. Last evaluated: 2019-06-20. Review status: no assertion criteria provided. Collection method: clinical testing. Allele origin: germline.
Comment: This variant is classified as likely benign based on ACMG/AMP sequence variant interpretation guidelines (Richards et al. 2015 PMID: 25741868, with internal and published modifications).